The following is an entry in ClinVar:

ClinVar aggregate classification (germline): Uncertain significance (1 of 4 stars; one submission).

Conditions:
EAST syndrome (SESAMES). Also called: SEIZURES, SENSORINEURAL DEAFNESS, ATAXIA, IMPAIRED INTELLECTUAL DEVELOPMENT, AND ELECTROLYTE IMBALANCE. Identifiers: Orphanet 199343, MedGen C2748572, MONDO:0013005, OMIM 612780.

Allele frequency attached by ClinVar (database versions not stated): gnomAD 0.00001; gnomAD exomes 0.00001; TOPMed 0.00001.

Submission:

Labcorp Genetics (formerly Invitae), Labcorp
Classification: Uncertain significance for EAST syndrome. Last evaluated: 2022-08-24. Review status: criteria provided, single submitter. Criteria: Invitae Variant Classification Sherloc (09022015). Collection method: clinical testing. Allele origin: germline.
Comment: ClinVar contains an entry for this variant (Variation ID: 951015). In summary, the available evidence is currently insufficient to determine the role of this variant in disease. Therefore, it has been classified as a Variant of Uncertain Significance. Algorithms developed to predict the effect of missense changes on protein structure and function are either unavailable or do not agree on the potential impact of this missense change (SIFT: "Deleterious"; PolyPhen-2: "Benign"; Align-GVGD: "Class C0"). This variant has not been reported in the literature in individuals affected with KCNJ10-related conditions. This variant is present in population databases (no rsID available, gnomAD 0.0009%). This sequence change replaces glutamic acid, which is acidic and polar, with lysine, which is basic and polar, at codon 98 of the KCNJ10 protein (p.Glu98Lys).

NM_002241.5(KCNJ10):c.292G>A (p.Glu98Lys)

Gene: KCNJ10 (potassium inwardly rectifying channel subfamily J member 10; minus strand). Cytogenetic location: 1q23.2.
Variant type: single nucleotide variant.
Coding change: c.292G>A on transcript NM_002241.5 (MANE Select); coding-DNA position 292, G replaced by A.
Protein change: p.Glu98Lys; replaces glutamic acid 98 with lysine.
Molecular consequence: missense variant.
Genome position (GRCh38, 1-based): chr1:160,042,241, C>T on the plus strand (G>A on the coding strand, the complement: KCNJ10 is on the minus strand). VCF-style: chr1-160042241-C-T. GRCh37 (hg19) VCF-style: chr1-160012031-C-T.
Other names: short protein forms E98K.
Identifiers: ClinVar variation 951015 (VCV000951015.10), dbSNP rs200054482, ClinGen allele CA343228911.
Genomic context (GRCh38, chr1:160,042,241, plus strand): 5'-CTCCAGTGAGTGTGTGCACCTGTACCACACAGGGGGTGTGGTTGGCCGGGGGGTCCAGCT[C>T]CAGCAGGTCCCCATGTGCCACAGCTACCAGATACCACACCACGCCAAAGAGGAACCATGT-3'
Protein context (NP_002232.2, residues 88-108): LVAVAHGDLL[Glu98Lys]LDPPANHTPC